The following is an entry in ClinVar:

NM_212482.4(FN1):c.6631A>G (p.Thr2211Ala)

Gene: FN1 (fibronectin 1; minus strand). Cytogenetic location: 2q35.
Variant type: single nucleotide variant.
Coding change: c.6631A>G on transcript NM_212482.4 (MANE Select); coding-DNA position 6631, A replaced by G.
Protein change: p.Thr2211Ala; replaces threonine 2211 with alanine.
Molecular consequence: missense variant.
Genome position (GRCh38, 1-based): chr2:215,371,992, T>C on the plus strand (A>G on the coding strand, the complement: FN1 is on the minus strand). VCF-style: chr2-215371992-T-C. GRCh37 (hg19) VCF-style: chr2-216236715-T-C.
Other names: c.5728A>G, p.Thr1910Ala (NM_212474.3); c.6088A>G, p.Thr2030Ala (NM_212476.3); c.6190A>G, p.Thr2064Ala (NM_212478.3); c.6538A>G, p.Thr2180Ala (NM_001306129.2); c.6001A>G, p.Thr2001Ala (NM_001306130.2); c.5995A>G, p.Thr1999Ala (NM_001306131.2); c.5920A>G, p.Thr1974Ala (NM_001306132.2); c.6361A>G, p.Thr2121Ala (NM_001365517.2); and 8 more; short protein forms T2064A, T2090A, T2095A, T2120A, T2180A, T2000A, T2005A, T2096A.
Identifiers: ClinVar variation 2958716 (VCV002958716.3), dbSNP rs767837750, ClinGen allele CA2093804.
Genomic context (GRCh38, chr2:215,371,992, plus strand): 5'-CAACAGGATGACATGAAATGATGTACTCAGAAGTGTCCTGGAATGGGGCCCATGAGATGG[T>C]TGTCTGAGAGAGAGCTTCTTGTCCTGTAGAGGCATTTGGATTGAGTCCCGGACCGTGTGG-3'
Protein context (NP_997647.2, residues 2201-2221): STGQEALSQT[Thr2211Ala]ISWAPFQDTS

ClinVar aggregate classification (germline): Uncertain significance (1 of 4 stars; one submission).

Allele frequency attached by ClinVar (database versions not stated): ExAC 0.00002; gnomAD exomes 0.00002.
gnomAD v4.1: 29 of 1,614,210 alleles (0.0018%); highest among the groups gnomAD compares: Non-Finnish European, 0.002%; no homozygotes.

Submission:

Labcorp Genetics (formerly Invitae), Labcorp
Classification: Uncertain significance. Last evaluated: 2023-01-03. Review status: criteria provided, single submitter. Criteria: Invitae Variant Classification Sherloc (09022015). Collection method: clinical testing. Allele origin: germline.
Comment: This variant has not been reported in the literature in individuals affected with FN1-related conditions. This variant is present in population databases (rs767837750, gnomAD 0.002%). This sequence change replaces threonine, which is neutral and polar, with alanine, which is neutral and non-polar, at codon 2211 of the FN1 protein (p.Thr2211Ala). Algorithms developed to predict the effect of missense changes on protein structure and function are either unavailable or do not agree on the potential impact of this missense change (SIFT: "Not Available"; PolyPhen-2: "Probably Damaging"; Align-GVGD: "Not Available"). In summary, the available evidence is currently insufficient to determine the role of this variant in disease. Therefore, it has been classified as a Variant of Uncertain Significance.